The following is an entry in ClinVar:

ClinVar aggregate classification (germline): Conflicting classifications of pathogenicity. Review status: criteria provided, conflicting classifications (1 of 4 stars). 3 submissions from 3 submitters: Uncertain significance (2); Likely benign (1). Last evaluated 2024-12-28.

Conditions:
Adams-Oliver syndrome 5 (AOS5). Identifiers: Orphanet 974, MedGen C4014970, MONDO:0014459, OMIM 616028.
Familial thoracic aortic aneurysm and aortic dissection (TAAD). Also called: Thoracic aortic aneurysms and dissections. Identifiers: Orphanet 91387, MedGen C4707243, MONDO:0019625.

Allele frequency attached by ClinVar (database versions not stated): gnomAD exomes below 0.00001 and 0.00001; gnomAD 0.00001; ExAC 0.00005.
gnomAD v4.1: 5 of 1,565,000 alleles (0.00032%); highest among the groups gnomAD compares: Admixed American, 0.0019%; no homozygotes.

Submissions (3):

Ambry Genetics
Classification: Uncertain significance for Familial thoracic aortic aneurysm and aortic dissection. Last evaluated: 2024-12-28. Review status: criteria provided, single submitter. Criteria: Ambry Variant Classification Scheme 2023. Collection method: clinical testing. Allele origin: germline.
Comment: The p.E181K variant (also known as c.541G>A), located in coding exon 4 of the NOTCH1 gene, results from a G to A substitution at nucleotide position 541. The glutamic acid at codon 181 is replaced by lysine, an amino acid with similar properties. This amino acid position is conserved. In addition, this alteration is predicted to be deleterious by in silico analysis. Based on the available evidence, the clinical significance of this variant remains unclear.

Labcorp Genetics (formerly Invitae), Labcorp
Classification: Likely benign for Adams-Oliver syndrome 5. Last evaluated: 2022-12-06. Review status: criteria provided, single submitter. Criteria: Invitae Variant Classification Sherloc (09022015). Collection method: clinical testing. Allele origin: germline.

GeneDx
Classification: Uncertain significance. Last evaluated: 2019-09-17. Review status: criteria provided, single submitter. Criteria: GeneDx Variant Classification Process June 2021. Collection method: clinical testing. Allele origin: germline. Affected: yes.
Comment: Not observed at a significant frequency in large population cohorts (Lek et al., 2016); In silico analysis, which includes protein predictors and evolutionary conservation, supports a deleterious effect; Has not been previously published as pathogenic or benign to our knowledge

NM_017617.5(NOTCH1):c.541G>A (p.Glu181Lys)

Gene: NOTCH1 (notch receptor 1; minus strand). Cytogenetic location: 9q34.3.
Variant type: single nucleotide variant.
Coding change: c.541G>A on transcript NM_017617.5 (MANE Select); coding-DNA position 541, G replaced by A.
Protein change: p.Glu181Lys; replaces glutamic acid 181 with lysine.
Molecular consequence: missense variant.
Genome position (GRCh38, 1-based): chr9:136,523,051, C>T on the plus strand (G>A on the coding strand, the complement: NOTCH1 is on the minus strand). VCF-style: chr9-136523051-C-T. GRCh37 (hg19) VCF-style: chr9-139417503-C-T.
Other names: short protein forms E181K.
Identifiers: ClinVar variation 1303916 (VCV001303916.8), dbSNP rs780209394, ClinGen allele CA5342132.